The following is an entry in ClinVar:

ClinVar aggregate classification (germline): Uncertain significance. Review status: criteria provided, multiple submitters, no conflicts (2 of 4 stars). 7 submissions from 7 submitters: Uncertain significance (5). 2 of the submissions do not count toward it. Last evaluated 2025-11-22.

Conditions:
Iodotyrosyl coupling defect (TDH3). Also called: HYPOTHYROIDISM, CONGENITAL, DUE TO DYSHORMONOGENESIS, 3; THYROID HORMONOGENESIS, GENETIC DEFECT IN, 3. Identifiers: Orphanet 95716, MedGen C0342194, MONDO:0010135, OMIM 274700.
Autoimmune thyroid disease, susceptibility to, 3. Identifiers: MedGen C1842444, MONDO:0011982, OMIM 608175.

Allele frequency attached by ClinVar (database versions not stated): ExAC 0.00026; gnomAD 0.00037; TOPMed 0.00037; ESP Exome Variant Server 0.00038; gnomAD exomes 0.00051.
gnomAD v4.1: 790 of 1,613,572 alleles (0.049%); highest among the groups gnomAD compares: Non-Finnish European, 0.064%; no homozygotes.

Submissions (7):

GeneDx
Classification: Uncertain significance. Last evaluated: 2025-11-22. Review status: criteria provided, single submitter. Criteria: GeneDx Variant Classification Process June 2021. Collection method: clinical testing. Allele origin: germline. Affected: yes.
Comment: Reported as a heterozygous variant in a patient with hypothyroidism in the published literature; however, a second variant in TG was not reported (PMID: 32428920); In silico analysis supports that this missense variant has a deleterious effect on protein structure/function; This variant is associated with the following publications: (PMID: 32428920)

Women's Health and Genetics/Laboratory Corporation of America, LabCorp
Classification: Uncertain significance. Last evaluated: 2024-08-27. Review status: criteria provided, single submitter. Criteria: LabCorp Variant Classification Summary - May 2015. Collection method: clinical testing. Allele origin: germline.
Comment: Variant summary: TG c.6001G>A (p.Asp2001Asn) results in a conservative amino acid change in the encoded protein sequence. Three of five in-silico tools predict a damaging effect of the variant on protein function. The variant allele was found at a frequency of 0.00024 in 251348 control chromosomes. This frequency is not significantly higher than estimated for a pathogenic variant in TG causing TG-Related Disorders, allowing no conclusion about variant significance. c.6001G>A has been reported in the literature in individuals affected with TG-Related Disorders. These report(s) do not provide unequivocal conclusions about association of the variant with TG-Related Disorders. To our knowledge, no experimental evidence demonstrating an impact on protein function has been reported. The following publication have been ascertained in the context of this evaluation (PMID: 32428920). ClinVar contains an entry for this variant (Variation ID: 912286). Based on the evidence outlined above, the variant was classified as uncertain significance.

Fulgent Genetics
Classification: Uncertain significance for Iodotyrosyl coupling defect; Autoimmune thyroid disease, susceptibility to, 3. Last evaluated: 2022-05-18. Review status: criteria provided, single submitter. Criteria: ACMG Guidelines, 2015. Collection method: clinical testing. Allele origin: unknown.

Illumina Laboratory Services, Illumina
Classification: Uncertain significance for Iodotyrosyl coupling defect. Last evaluated: 2018-01-13. Review status: criteria provided, single submitter. Criteria: ICSL Variant Classification Criteria 13 December 2019. Collection method: clinical testing. Allele origin: germline.

Breakthrough Genomics
Classification: Uncertain significance. Review status: criteria provided, single submitter. Criteria: ACMG Guidelines, 2015. Collection method: not provided. Allele origin: germline. Inheritance: Autosomal recessive inheritance. Affected: yes.

Clinical Genetics DNA and cytogenetics Diagnostics Lab, Erasmus MC, Erasmus Medical Center
Classification: Uncertain significance. Review status: no assertion criteria provided. Collection method: clinical testing. Allele origin: germline. Affected: yes. Study: VKGL Data-share Consensus. Not counted in ClinVar's aggregate classification.

Diagnostic Laboratory, Department of Genetics, University Medical Center Groningen
Classification: Uncertain significance. Review status: no assertion criteria provided. Collection method: clinical testing. Allele origin: germline. Affected: yes. Study: VKGL Data-share Consensus. Not counted in ClinVar's aggregate classification.

Literature cited by the submitters: PubMed 32428920 (cited by Women's Health and Genetics/Laboratory Corporation of America, LabCorp).

NM_003235.5(TG):c.6001G>A (p.Asp2001Asn)

Gene: TG (thyroglobulin; plus strand). Cytogenetic location: 8q24.22.
Variant type: single nucleotide variant.
Coding change: c.6001G>A on transcript NM_003235.5 (MANE Select); coding-DNA position 6001, G replaced by A.
Protein change: p.Asp2001Asn; replaces aspartic acid 2001 with asparagine.
Molecular consequence: missense variant.
Genome position (GRCh38, 1-based): chr8:132,971,819, G>A. VCF-style: chr8-132971819-G-A. GRCh37 (hg19) VCF-style: chr8-133984064-G-A.
Other names: short protein forms D2001N.
Identifiers: ClinVar variation 912286 (VCV000912286.13), dbSNP rs199923962, ClinGen allele CA4884725.